The following is an entry in ClinVar:

NM_001374736.1(DST):c.13882T>C (p.Leu4628=)

Gene: DST (dystonin; minus strand). Cytogenetic location: 6p12.1.
Variant type: single nucleotide variant.
Coding change: c.13882T>C on transcript NM_001374736.1 (MANE Select); coding-DNA position 13882, T replaced by C.
Protein change: p.Leu4628=; no amino-acid change (leucine 4628 retained).
Molecular consequence: synonymous variant.
Genome position (GRCh38, 1-based): chr6:56,568,592, A>G on the plus strand (T>C on the coding strand, the complement: DST is on the minus strand). VCF-style: chr6-56568592-A-G. GRCh37 (hg19) VCF-style: chr6-56433390-A-G.
Other names: c.7525T>C, p.Leu2509= (NM_001144769.5); c.7111T>C, p.Leu2371= (NM_001144770.2); c.13882T>C, p.Leu4628= (NM_001374722.1); c.13249T>C, p.Leu4417= (NM_001374729.1); c.6991T>C, p.Leu2331= (NM_001374730.1, NM_001386100.1, NM_183380.4); c.13909T>C, p.Leu4637= (NM_001374734.1); c.6013T>C, p.Leu2005= (NM_015548.5).
Identifiers: ClinVar variation 2019586 (VCV002019586.4), dbSNP rs2535671746, ClinGen allele CA450488452.

ClinVar aggregate classification (germline): Uncertain significance (1 of 4 stars; one submission).

Conditions:
Epidermolysis bullosa simplex 3, localized or generalized intermediate, with BP230 deficiency (EBS3). Also called: Epidermolysis bullosa simplex, autosomal recessive 2; Epidermolysis bullosa simplex due to BP230 deficiency. Identifiers: Orphanet 412181, MedGen C3809470, MONDO:0014180, OMIM 615425.
Hereditary sensory and autonomic neuropathy type 6. Also called: Neuropathy, hereditary sensory and autonomic, type VI; HSAN VI. Identifiers: Orphanet 314381, MedGen C3539003, MONDO:0013839, OMIM 614653.

Submission:

Labcorp Genetics (formerly Invitae), Labcorp
Classification: Uncertain significance for Epidermolysis bullosa simplex 3, localized or generalized intermediate, with BP230 deficiency; Hereditary sensory and autonomic neuropathy type 6. Last evaluated: 2022-07-25. Review status: criteria provided, single submitter. Criteria: Invitae Variant Classification Sherloc (09022015). Collection method: clinical testing. Allele origin: germline.
Comment: In summary, the available evidence is currently insufficient to determine the role of this variant in disease. Therefore, it has been classified as a Variant of Uncertain Significance. Experimental studies and prediction algorithms are not available or were not evaluated, and the effect of this variant on mRNA splicing is currently unknown. This variant has not been reported in the literature in individuals affected with DST-related conditions. This variant is not present in population databases (gnomAD no frequency). This sequence change affects codon 2005 of the DST mRNA. It is a 'silent' change, meaning that it does not change the encoded amino acid sequence of the DST protein. The DST gene has multiple clinically relevant transcripts. This variant occurs in alternate transcript NM_015548.4, and corresponds to NM_001723.5:c.*46925T>C in the primary transcript.